The following is an entry in ClinVar:

ClinVar aggregate classification (germline): Uncertain significance (1 of 4 stars; one submission).

Conditions:
SEMA3G-related disorder. Also called: SEMA3G-related condition.

gnomAD v4.1: 6 of 1,612,186 alleles (0.00037%); highest among the groups gnomAD compares: African/African-American, 0.008%; no homozygotes.

Submission:

PreventionGenetics, part of Exact Sciences
Classification: Uncertain significance for SEMA3G-related condition. Last evaluated: 2025-07-25. Review status: criteria provided, single submitter. Criteria: ACMG Guidelines, 2015. Collection method: clinical testing. Allele origin: germline.
Comment: The SEMA3G c.1768A>G variant is predicted to result in the amino acid substitution p.Met590Val. To our knowledge, this variant has not been reported in the literature or in a large population database, indicating this variant is rare. At this time, the clinical significance of this variant is uncertain due to the absence of conclusive functional and genetic evidence.

NM_020163.3(SEMA3G):c.1768A>G (p.Met590Val)

Gene: SEMA3G (semaphorin 3G; minus strand). Cytogenetic location: 3p21.1.
Variant type: single nucleotide variant.
Coding change: c.1768A>G on transcript NM_020163.3 (MANE Select); coding-DNA position 1768, A replaced by G.
Protein change: p.Met590Val; replaces methionine 590 with valine.
Molecular consequence: missense variant.
Genome position (GRCh38, 1-based): chr3:52,437,637, T>C on the plus strand (A>G on the coding strand, the complement: SEMA3G is on the minus strand). VCF-style: chr3-52437637-T-C. GRCh37 (hg19) VCF-style: chr3-52471653-T-C.
Other names: short protein forms M590V.
Identifiers: ClinVar variation 4978080 (VCV004978080.1).